The following is an entry in ClinVar:

ClinVar aggregate classification (germline): Pathogenic. Review status: criteria provided, multiple submitters, no conflicts (2 of 4 stars). 2 submissions from 2 submitters: Pathogenic (2). Last evaluated 2024-10-03.

Conditions:
Cardiovascular phenotype. Identifiers: MedGen CN230736.
Hypertrophic cardiomyopathy. Also called: HYPERTROPHIC MYOCARDIOPATHY. Identifiers: Orphanet 217569, MedGen C0007194, MeSH D002312, MONDO:0005045, HP:0001639.

Submissions (2):

Molecular Genetics, Royal Melbourne Hospital
Classification: Pathogenic for Hypertrophic cardiomyopathy. Last evaluated: 2024-10-03. Review status: criteria provided, single submitter. Criteria: ACMG Guidelines, 2015. Collection method: clinical testing. Allele origin: germline. Inheritance: Autosomal dominant inheritance. Affected: yes.
Comment: This sequence change in MYBPC3 is a nonsense variant predicted to create a premature stop codon, p.(Cys436*), in biologically relevant exon 15/35 leading to nonsense-mediated decay in a gene in which loss-of-function is an established disease mechanism (PMID: 7493026, 9048664, 9562578, 17823372, 19574547, 18337725). Loss-of-function variants are a well-established cause of disease in exon 15 (ClinVar). This variant is absent from the population database gnomAD v4.1. This variant has been reported in at least two unrelated individuals with hypertrophic cardiomyopathy (PMID: 23233322, Royal Melbourne Hospital). Based on the classification scheme RMH Modified ACMG/AMP Guidelines v1.7.0, this variant is classified as PATHOGENIC. Following criteria are met: PVS1, PM2_Supporting, PM5_Supporting, PS4_Supporting

Ambry Genetics
Classification: Pathogenic for Cardiovascular phenotype. Last evaluated: 2021-08-03. Review status: criteria provided, single submitter. Criteria: Ambry Variant Classification Scheme 2023. Collection method: clinical testing. Allele origin: germline.
Comment: The p.C436* pathogenic mutation (also known as c.1308C>A), located in coding exon 15 of the MYBPC3 gene, results from a C to A substitution at nucleotide position 1308. This changes the amino acid from a cysteine to a stop codon within coding exon 15. This alteration has been reported in a hypertrophic cardiomyopathy (HCM) cohort (Kassem HSh et al. J Cardiovasc Transl Res, 2013 Feb;6:65-80). This alteration is expected to result in loss of function by premature protein truncation or nonsense-mediated mRNA decay. As such, this alteration is interpreted as a disease-causing mutation.

Literature cited by the submitters: PubMed 7493026 (cited by Molecular Genetics, Royal Melbourne Hospital); PubMed 9048664 (cited by Molecular Genetics, Royal Melbourne Hospital); PubMed 9562578 (cited by Molecular Genetics, Royal Melbourne Hospital); PubMed 17823372 (cited by Molecular Genetics, Royal Melbourne Hospital); PubMed 18337725 (cited by Molecular Genetics, Royal Melbourne Hospital); PubMed 19574547 (cited by Molecular Genetics, Royal Melbourne Hospital); PubMed 23233322 (cited by Molecular Genetics, Royal Melbourne Hospital and Ambry Genetics).

NM_000256.3(MYBPC3):c.1308C>A (p.Cys436Ter)

Gene: MYBPC3 (myosin binding protein C3; minus strand). Cytogenetic location: 11p11.2.
Variant type: single nucleotide variant.
Coding change: c.1308C>A on transcript NM_000256.3 (MANE Select); coding-DNA position 1308, C replaced by A.
Protein change: p.Cys436Ter; replaces cysteine 436 with a stop codon.
Molecular consequence: nonsense.
Genome position (GRCh38, 1-based): chr11:47,343,064, G>T on the plus strand (C>A on the coding strand, the complement: MYBPC3 is on the minus strand). VCF-style: chr11-47343064-G-T. GRCh37 (hg19) VCF-style: chr11-47364615-G-T.
Other names: short protein forms C436*.
Identifiers: ClinVar variation 1769560 (VCV001769560.3), dbSNP rs759826878, ClinGen allele CA380327087.